The following is an entry in ClinVar:

NM_001379286.1(ZNF423):c.2080A>C (p.Met694Leu)

Gene: ZNF423 (zinc finger protein 423; minus strand). Cytogenetic location: 16q12.1.
Variant type: single nucleotide variant.
Coding change: c.2080A>C on transcript NM_001379286.1 (MANE Select); coding-DNA position 2080, A replaced by C.
Protein change: p.Met694Leu; replaces methionine 694 with leucine.
Molecular consequence: missense variant.
Genome position (GRCh38, 1-based): chr16:49,637,096, T>G on the plus strand (A>C on the coding strand, the complement: ZNF423 is on the minus strand). VCF-style: chr16-49637096-T-G. GRCh37 (hg19) VCF-style: chr16-49671007-T-G.
Other names: c.2056A>C (NM_015069.4, NM_015069.2); c.1876A>C, p.Met626Leu (NM_001271620.2); c.1705A>C, p.Met569Leu (NM_001330533.2); c.2056A>C, p.Met686Leu (NM_015069.5); short protein forms M569L, M686L, M694L, M626L.
Identifiers: ClinVar variation 1372324 (VCV001372324.9), dbSNP rs987591738, ClinGen allele CA395844383.
Genomic context (GRCh38, chr16:49,637,096, plus strand): 5'-CATCCACCGAGGAAAATTGCTTGTCGCAGCTCTCGCACACATAGTGGGTCGACGTGGTCA[T>G]GTAATGCACTGTCAGGTGCTGCAGGAGGGACTCCTGGGAGTCAAAGTCCTCTTTGCACTG-3'
Protein context (NP_001366215.1, residues 684-704): SLLQHLTVHY[Met694Leu]TTSTHYVCES

ClinVar aggregate classification (germline): Uncertain significance. Review status: criteria provided, multiple submitters, no conflicts (2 of 4 stars). 4 submissions from 4 submitters: Uncertain significance (4). Last evaluated 2025-12-31.

Conditions:
ZNF423-related disorder. Also called: ZNF423-related condition.
Nephronophthisis 14 (NPHP14). Identifiers: Orphanet 2318, MedGen C3539071, MONDO:0013916, OMIM 614844.

gnomAD v4.1: 12 of 1,613,662 alleles (0.00074%); highest among the groups gnomAD compares: Non-Finnish European, 0.00093%; no homozygotes.

Submissions (4):

PreventionGenetics, part of Exact Sciences
Classification: Uncertain significance for ZNF423-related condition. Last evaluated: 2025-12-31. Review status: criteria provided, single submitter. Criteria: ACMG Guidelines, 2015. Collection method: clinical testing. Allele origin: germline.
Comment: The ZNF423 c.2056A>C variant is predicted to result in the amino acid substitution p.Met686Leu. To our knowledge, this variant has not been reported in the literature or in a large population database (gnomAD), indicating this variant is rare. At this time, the clinical significance of this variant is uncertain due to the absence of conclusive functional and genetic evidence.

Ambry Genetics
Classification: Uncertain significance. Last evaluated: 2025-09-26. Review status: criteria provided, single submitter. Criteria: Ambry Variant Classification Scheme 2023. Collection method: clinical testing. Allele origin: germline.

Labcorp Genetics (formerly Invitae), Labcorp
Classification: Uncertain significance for Nephronophthisis 14. Last evaluated: 2023-03-10. Review status: criteria provided, single submitter. Criteria: Invitae Variant Classification Sherloc (09022015). Collection method: clinical testing. Allele origin: germline.
Comment: This variant has not been reported in the literature in individuals affected with ZNF423-related conditions. In summary, the available evidence is currently insufficient to determine the role of this variant in disease. Therefore, it has been classified as a Variant of Uncertain Significance. Advanced modeling of protein sequence and biophysical properties (such as structural, functional, and spatial information, amino acid conservation, physicochemical variation, residue mobility, and thermodynamic stability) performed at Invitae indicates that this missense variant is not expected to disrupt ZNF423 protein function. ClinVar contains an entry for this variant (Variation ID: 1372324). This variant is not present in population databases (gnomAD no frequency). This sequence change replaces methionine, which is neutral and non-polar, with leucine, which is neutral and non-polar, at codon 686 of the ZNF423 protein (p.Met686Leu).

Blueprint Genetics
Classification: Uncertain significance. Last evaluated: 2017-11-09. Review status: criteria provided, single submitter. Criteria: ACMG Guidelines, 2015. Collection method: clinical testing. Allele origin: germline.